The following is an entry in ClinVar:

ClinVar aggregate classification (germline): Uncertain significance (1 of 4 stars; one submission).

Conditions:
Arrhythmogenic right ventricular dysplasia 13. Also called: Arrhythmogenic right ventricular dysplasia, familial, 13; ARRHYTHMOGENIC RIGHT VENTRICULAR CARDIOMYOPATHY 13. Identifiers: MedGen C3810138, MONDO:0000908, OMIM 615616.

Submission:

Labcorp Genetics (formerly Invitae), Labcorp
Classification: Uncertain significance for Arrhythmogenic right ventricular dysplasia 13. Last evaluated: 2023-12-01. Review status: criteria provided, single submitter. Criteria: Invitae Variant Classification Sherloc (09022015). Collection method: clinical testing. Allele origin: germline.
Comment: This variant is a gross deletion of the genomic region encompassing exon(s) 8-10 of the CTNNA3 gene. This variant would be expected to be in-frame, preserving the integrity of the reading frame. This variant has not been reported in the literature in individuals affected with CTNNA3-related conditions. Experimental studies and prediction algorithms are not available or were not evaluated, and the functional significance of this variant is currently unknown. In summary, the available evidence is currently insufficient to determine the role of this variant in disease. Therefore, it has been classified as a Variant of Uncertain Significance.

NC_000010.10:g.(?_68381430)_(68535302_?)del

Gene: CTNNA3 (catenin alpha 3; minus strand). Cytogenetic location: 10q21.3.
Variant type: Deletion.
Identifiers: ClinVar variation 1411740 (VCV001411740.5).